The following is an entry in ClinVar:

ClinVar aggregate classification (germline): Likely pathogenic (1 of 4 stars; one submission).

Conditions:
GNE myopathy (NM). Also called: MYOPATHY, DISTAL, WITH OR WITHOUT RIMMED VACUOLES; IBM 2; Inclusion body myopathy autosomal recessive; Inclusion body myopathy quadriceps sparing; NONAKA DISTAL MYOPATHY; INCLUSION BODY MYOPATHY, HEREDITARY, AUTOSOMAL RECESSIVE. Identifiers: Orphanet 602, MedGen C1853926, MONDO:0011603, OMIM 605820.

Submission:

Natera, Inc.
Classification: Likely pathogenic for Nonaka myopathy. Last evaluated: 2024-11-09. Review status: criteria provided, single submitter. Criteria: Natera Variant Classification Schema (03/2026). Collection method: clinical testing. Allele origin: germline.
Comment: The c.1508T>C variant in GNE is a missense variant predicted to cause substitution of isoleucine to threonine at amino acid 503. This variant is rare in the general population with a frequency below the threshold expected for the associated phenotype(s). This variant has been observed in one or more individuals affected with the associated recessive disease, as either homozygous or compound heterozygous with a second variant (PMID: 14707127, 12913203). Additionally, this variant has been observed to segregate in affected family members (PMID: 12913203). Computational prediction algorithms indicate this variant is likely to affect gene or protein function. Given the available evidence, this variant is classified as Likely Pathogenic.

Literature cited by the submitters: PubMed 14707127; PubMed 12913203.

NM_005476.7(GNE):c.1415T>C (p.Ile472Thr)

Gene: GNE (glucosamine (UDP-N-acetyl)-2-epimerase/N-acetylmannosamine kinase; minus strand). Cytogenetic location: 9p13.3.
Variant type: single nucleotide variant.
Coding change: c.1415T>C on transcript NM_005476.7 (MANE Select); coding-DNA position 1415, T replaced by C.
Protein change: p.Ile472Thr; replaces isoleucine 472 with threonine.
Molecular consequence: missense variant. On other transcripts: intron variant (1).
Genome position (GRCh38, 1-based): chr9:36,222,995, A>G on the plus strand (T>C on the coding strand, the complement: GNE is on the minus strand). VCF-style: chr9-36222995-A-G. GRCh37 (hg19) VCF-style: chr9-36222992-A-G.
Other names: c.1411+378T>C (NM_001190383.3); c.1508T>C, p.Ile503Thr (NM_001128227.3); c.1085T>C, p.Ile362Thr (NM_001190384.3); c.1238T>C, p.Ile413Thr (NM_001190388.2, NM_001374798.1); c.1262T>C, p.Ile421Thr (NM_001374797.1); short protein forms I362T, I413T, I421T, I472T, I503T.
Identifiers: ClinVar variation 4814599 (VCV004814599.1).